The following is an entry in ClinVar:

ClinVar aggregate classification (germline): Conflicting classifications of pathogenicity. Review status: criteria provided, conflicting classifications (1 of 4 stars). 3 submissions from 3 submitters: Uncertain significance (1); Likely benign (2). Last evaluated 2025-12-04.

Conditions:
Hereditary breast ovarian cancer syndrome. Also called: Hereditary breast and ovarian cancer syndrome; Breast and ovarian cancer; BRCA1- and BRCA2-Associated Hereditary Breast and Ovarian Cancer; Hereditary breast and ovarian cancer; Hereditary breast and/or ovarian cancer syndrome; Hereditary breast and ovarian cancer syndrome (HBOC). Identifiers: Orphanet 145, MedGen C0677776, MeSH D061325, MONDO:0003582. Disease mechanism: loss of function.
Hereditary cancer-predisposing syndrome. Also called: Hereditary neoplastic syndrome; Neoplastic Syndromes, Hereditary; Tumor predisposition; Hereditary Cancer Syndrome. Identifiers: Orphanet 140162, MedGen C0027672, MeSH D009386, MONDO:0015356.

gnomAD v4.1: 1 of 1,588,034 alleles (0.000063%); highest among the groups gnomAD compares: Non-Finnish European, 0.000085%; no homozygotes.

Submissions (3):

Labcorp Genetics (formerly Invitae), Labcorp
Classification: Uncertain significance for Hereditary breast ovarian cancer syndrome. Last evaluated: 2025-12-04. Review status: criteria provided, single submitter. Criteria: Invitae Variant Classification Sherloc (09022015). Collection method: clinical testing. Allele origin: germline.
Comment: This sequence change replaces aspartic acid, which is acidic and polar, with glutamic acid, which is acidic and polar, at codon 1337 of the BRCA2 protein (p.Asp1337Glu). This variant is not present in population databases (gnomAD no frequency). This variant has not been reported in the literature in individuals affected with BRCA2-related conditions. ClinVar contains an entry for this variant (Variation ID: 834527). Invitae Evidence Modeling of protein sequence and biophysical properties (such as structural, functional, and spatial information, amino acid conservation, physicochemical variation, residue mobility, and thermodynamic stability) indicates that this missense variant is not expected to disrupt BRCA2 protein function with a negative predictive value of 95%. In summary, the available evidence is currently insufficient to determine the role of this variant in disease. Therefore, it has been classified as a Variant of Uncertain Significance.

Ambry Genetics
Classification: Likely benign for Hereditary cancer-predisposing syndrome. Last evaluated: 2025-03-19. Review status: criteria provided, single submitter. Criteria: Ambry Variant Classification Scheme 2023. Collection method: clinical testing. Allele origin: germline.

University of Washington Department of Laboratory Medicine, University of Washington
Classification: Likely benign for Hereditary cancer-predisposing syndrome. Last evaluated: 2023-03-23. Review status: criteria provided, single submitter. Criteria: Dines et al. (Genet Med. 2020). Collection method: curation. Allele origin: germline.
Comment: Missense variant in a coldspot region where missense variants are very unlikely to be pathogenic (PMID:31911673).

BRCA2 exon 11 coldspot. Reclassification based on statistical prior probability.

NM_000059.4(BRCA2):c.4011T>G (p.Asp1337Glu)

Gene: BRCA2 (BRCA2 DNA repair associated; plus strand). Cytogenetic location: 13q13.1.
Variant type: single nucleotide variant.
Coding change: c.4011T>G on transcript NM_000059.4 (MANE Select); coding-DNA position 4011, T replaced by G.
Protein change: p.Asp1337Glu; replaces aspartic acid 1337 with glutamic acid.
Molecular consequence: missense variant.
Genome position (GRCh38, 1-based): chr13:32,338,366, T>G. VCF-style: chr13-32338366-T-G. GRCh37 (hg19) VCF-style: chr13-32912503-T-G.
Other names: short protein forms D1337E.
Identifiers: ClinVar variation 834527 (VCV000834527.13), dbSNP rs2072493596, ClinGen allele CA387779019.